The following is an entry in ClinVar:

NM_031448.6(C19orf12):c.216G>A (p.Pro72=)

Gene: C19orf12 (chromosome 19 open reading frame 12; minus strand). Cytogenetic location: 19q12.
Variant type: single nucleotide variant.
Coding change: c.216G>A on transcript NM_031448.6 (MANE Select); coding-DNA position 216, G replaced by A.
Protein change: p.Pro72=; no amino-acid change (proline 72 retained).
Molecular consequence: synonymous variant.
Genome position (GRCh38, 1-based): chr19:29,702,922, C>T on the plus strand (G>A on the coding strand, the complement: C19orf12 is on the minus strand). VCF-style: chr19-29702922-C-T. GRCh37 (hg19) VCF-style: chr19-30193829-C-T.
Other names: p.Pro83=; c.216G>A, p.Pro72= (NM_001031726.4, NM_001256046.3, NM_001256047.2); c.24G>A, p.Pro8= (NM_001282929.1, NM_001282930.3, NM_001282931.3).
Identifiers: ClinVar variation 238220 (VCV000238220.19), dbSNP rs202054484, ClinGen allele CA9351911.
Genomic context (GRCh38, chr19:29,702,922, plus strand): 5'-GGCTTCGTTAAAGAGCCTCTGTTGCTCGGCAGGGGGCAGCTCCATTAGGATCTGAGGAAC[C>T]GGCTTAAACTGTCCACTTGTCATCCAGGCACCTAACAGCCCCCCGACAGCCCCCCCTAGA-3'
Protein context (NP_113636.2, residues 62-82): GAWMTSGQFK[Pro72=]VPQILMELPP

ClinVar aggregate classification (germline): Benign/Likely benign. Review status: criteria provided, multiple submitters, no conflicts (2 of 4 stars). 6 submissions from 6 submitters: Benign (1); Likely benign (5). Last evaluated 2026-07-01.

Conditions:
C19orf12-related disorder. Also called: C19orf12-related condition.
Hereditary spastic paraplegia 43. Also called: Spastic paraplegia 43, autosomal recessive. Identifiers: Orphanet 320370, MedGen C2680446, MONDO:0014024, OMIM 615043.
Neurodegeneration with brain iron accumulation 4 (NBIA4). Also called: MITOCHONDRIAL PROTEIN-ASSOCIATED NEURODEGENERATION. Identifiers: Orphanet 289560, MedGen C3280371, MONDO:0013674, OMIM 614298. Disease mechanism: loss of function.

Allele frequency attached by ClinVar (database versions not stated): gnomAD 0.00006 and 0.00008; gnomAD exomes 0.00016 and 0.00065; 1000 Genomes Project 0.00020; 1000 Genomes Project 30x 0.00031; TOPMed 0.00036; ExAC 0.00055.
gnomAD v4.1: 232 of 1,614,196 alleles (0.014%); highest among the groups gnomAD compares: Admixed American, 0.3%; 1 homozygote.

Submissions (6):

CeGaT Center for Human Genetics Tuebingen
Classification: Likely benign. Last evaluated: 2026-07-01. Review status: criteria provided, single submitter. Criteria: CeGaT Center For Human Genetics Tuebingen Variant Classification Criteria Version 2. Collection method: clinical testing. Allele origin: germline. Affected: yes. Observed: 1 variant allele.
Comment: C19orf12: BP4, BP7

Labcorp Genetics (formerly Invitae), Labcorp
Classification: Benign for Hereditary spastic paraplegia 43. Last evaluated: 2026-01-25. Review status: criteria provided, single submitter. Criteria: Invitae Variant Classification Sherloc (09022015). Collection method: clinical testing. Allele origin: germline.

PreventionGenetics, part of Exact Sciences
Classification: Likely benign for C19orf12-related condition. Last evaluated: 2025-08-01. Review status: criteria provided, single submitter. Criteria: ACMG Guidelines, 2015. Collection method: clinical testing. Allele origin: germline.
Comment: This variant is classified as likely benign based on ACMG/AMP sequence variant interpretation guidelines (Richards et al. 2015 PMID: 25741868, with internal and published modifications).

Mayo Clinic Laboratories, Mayo Clinic
Classification: Likely benign. Last evaluated: 2025-06-05. Review status: criteria provided, single submitter. Criteria: ACMG Guidelines, 2015. Collection method: clinical testing. Allele origin: germline. Observed: 1 variant allele.
Comment: BS1, BP4, BP7

GeneDx
Classification: Likely benign. Last evaluated: 2020-12-11. Review status: criteria provided, single submitter. Criteria: GeneDx Variant Classification Process June 2021. Collection method: clinical testing. Allele origin: germline. Affected: yes.

Illumina Laboratory Services, Illumina
Classification: Likely benign for Neurodegeneration with brain iron accumulation 4. Last evaluated: 2018-01-12. Review status: criteria provided, single submitter. Criteria: ICSL Variant Classification Criteria 13 December 2019. Collection method: clinical testing. Allele origin: germline.
Comment: This variant was observed in the ICSL laboratory as part of a predisposition screen in an ostensibly healthy population. It had not been previously curated by ICSL or reported in the Human Gene Mutation Database (HGMD: prior to June 1st, 2018), and was therefore a candidate for classification through an automated scoring system. Utilizing variant allele frequency, disease prevalence and penetrance estimates, and inheritance mode, an automated score was calculated to assess if this variant is too frequent to cause the disease. Based on the score and internal cut-off values, a variant classified as likely benign is not then subjected to further curation. The score for this variant resulted in a classification of likely benign for this disease.